The following is an entry in ClinVar:

NM_001122955.4(BSCL2):c.1376G>A (p.Cys459Tyr)

Genes: BSCL2 (BSCL2 lipid droplet biogenesis associated, seipin; minus strand), HNRNPUL2-BSCL2 (HNRNPUL2-BSCL2 readthrough (NMD candidate); minus strand). Cytogenetic location: 11q12.3.
Variant type: single nucleotide variant.
Coding change: c.1376G>A on transcript NM_001122955.4 (MANE Select); coding-DNA position 1376, G replaced by A.
Protein change: p.Cys459Tyr; replaces cysteine 459 with tyrosine.
Molecular consequence: missense variant. On other transcripts: non-coding transcript variant (1), 3 prime UTR variant (1).
Genome position (GRCh38, 1-based): chr11:62,690,380, C>T on the plus strand (G>A on the coding strand, the complement: BSCL2 is on the minus strand). VCF-style: chr11-62690380-C-T. GRCh37 (hg19) VCF-style: chr11-62457852-C-T.
Other names: c.*178G>A (NM_001130702.2); c.1382G>A, p.Cys461Tyr (NM_001386027.1); c.1376G>A, p.Cys459Tyr (NM_001386028.1); c.1184G>A, p.Cys395Tyr (NM_032667.6); short protein forms C395Y, C459Y, C461Y.
Identifiers: ClinVar variation 835390 (VCV000835390.9), dbSNP rs775890636, ClinGen allele CA6053238.

ClinVar aggregate classification (germline): Uncertain significance (1 of 4 stars; one submission).

Conditions:
Charcot-Marie-Tooth disease type 2. Also called: Charcot-Marie-Tooth type 2. Identifiers: Orphanet 64746, MedGen C0270914, MONDO:0018993.

Allele frequency attached by ClinVar (database versions not stated): TOPMed 0.00002; gnomAD exomes below 0.00001; ExAC 0.00002.
gnomAD v4.1: 4 of 1,614,026 alleles (0.00025%); highest among the groups gnomAD compares: Non-Finnish European, 0.00034%; no homozygotes.

Submission:

Labcorp Genetics (formerly Invitae), Labcorp
Classification: Uncertain significance for Charcot-Marie-Tooth disease type 2. Last evaluated: 2022-09-07. Review status: criteria provided, single submitter. Criteria: Invitae Variant Classification Sherloc (09022015). Collection method: clinical testing. Allele origin: germline.
Comment: In summary, the available evidence is currently insufficient to determine the role of this variant in disease. Therefore, it has been classified as a Variant of Uncertain Significance. Algorithms developed to predict the effect of missense changes on protein structure and function are either unavailable or do not agree on the potential impact of this missense change (SIFT: "Tolerated"; PolyPhen-2: "Probably Damaging"; Align-GVGD: "Class C0"). This sequence change replaces cysteine, which is neutral and slightly polar, with tyrosine, which is neutral and polar, at codon 395 of the BSCL2 protein (p.Cys395Tyr). This variant is present in population databases (rs775890636, gnomAD 0.002%). This variant has not been reported in the literature in individuals affected with BSCL2-related conditions. ClinVar contains an entry for this variant (Variation ID: 835390).